The following is an entry in ClinVar:

ClinVar aggregate classification (germline): Pathogenic (1 of 4 stars; one submission).

Conditions:
Danon disease. Also called: PSEUDOGLYCOGENOSIS II; GSD IIb; LYSOSOMAL GLYCOGEN STORAGE DISEASE WITHOUT ACID MALTASE DEFICIENCY; ANTOPOL DISEASE; Glycogen Storage Disease Type IIb. Identifiers: Orphanet 34587, MedGen C0878677, MONDO:0010281, OMIM 300257.

Submissions (3):

Labcorp Genetics (formerly Invitae), Labcorp
Classification: Pathogenic for Danon disease. Last evaluated: 2021-03-22. Review status: criteria provided, single submitter. Criteria: Invitae Variant Classification Sherloc (09022015). Collection method: clinical testing. Allele origin: germline.
Comment: This sequence change replaces valine with leucine at codon 310 of the LAMP2 protein (p.Val310Leu). The valine residue is weakly conserved and there is a small physicochemical difference between valine and leucine. This variant also falls at the last nucleotide of exon 7, which is part of the consensus splice site for this exon. This variant is not present in population databases (ExAC no frequency). This variant has been observed in individual(s) with clinical features of Danon disease (Invitae). In at least one individual the variant was observed to be de novo. Algorithms developed to predict the effect of missense changes on protein structure and function (SIFT, PolyPhen-2, Align-GVGD) all suggest that this variant is likely to be tolerated, but these predictions have not been confirmed by published functional studies and their clinical significance is uncertain. Nucleotide substitutions within the consensus splice site are a relatively common cause of aberrant splicing (PMID: 17576681, 9536098). Algorithms developed to predict the effect of sequence changes on RNA splicing suggest that this variant may disrupt the consensus splice site, but this prediction has not been confirmed by published transcriptional studies. This variant disrupts the c.928G nucleotide in the LAMP2 gene. Other variant(s) that disrupt this nucleotide have been determined to be pathogenic (PMID: 16217705, 15673802, 29753918, 19373884, 29753918). This suggests that this nucleotide is clinically significant, and that variants that disrupt this position are likely to be disease-causing. For these reasons, this variant has been classified as Pathogenic.

Dr. Peter K. Rogan Lab, Western University
No classification provided (evidence only). Condition: Thyroid cancer, nonmedullary, 1. Review status: no classification provided. Collection method: in vitro. Allele origin: not applicable. Functional consequence: skipped exon, retained intron. Not counted in ClinVar's aggregate classification.

Dr. Peter K. Rogan Lab, Western University
No classification provided (evidence only). Condition: Thyroid cancer, nonmedullary, 1. Review status: no classification provided. Collection method: in vitro. Allele origin: not applicable. Functional consequence: retained intron. Not counted in ClinVar's aggregate classification.

Literature cited by the submitters: PubMed 17576681 (cited by Labcorp Genetics (formerly Invitae), Labcorp); PubMed 9536098 (cited by Labcorp Genetics (formerly Invitae), Labcorp); PubMed 16217705 (cited by Labcorp Genetics (formerly Invitae), Labcorp); PubMed 15673802 (cited by Labcorp Genetics (formerly Invitae), Labcorp); PubMed 29753918 (cited by Labcorp Genetics (formerly Invitae), Labcorp); PubMed 19373884 (cited by Labcorp Genetics (formerly Invitae), Labcorp).

NM_002294.3(LAMP2):c.928G>C (p.Val310Leu)

Gene: LAMP2 (lysosome associated membrane protein 2; minus strand). Cytogenetic location: Xq24.
Variant type: single nucleotide variant.
Coding change: c.928G>C on transcript NM_002294.3 (MANE Select); coding-DNA position 928, G replaced by C.
Protein change: p.Val310Leu; replaces valine 310 with leucine.
Molecular consequence: missense variant.
Genome position (GRCh38, 1-based): chrX:120,442,599, C>G on the plus strand (G>C on the coding strand, the complement: LAMP2 is on the minus strand). VCF-style: chrX-120442599-C-G. GRCh37 (hg19) VCF-style: chrX-119576454-C-G.
Other names: c.928G>C, p.Val310Leu (NM_001122606.1, NM_013995.2); short protein forms V310L.
Identifiers: ClinVar variation 1452436 (VCV001452436.9), dbSNP rs104894858, ClinGen allele CA414400263.